The following is an entry in ClinVar:

NM_201384.3(PLEC):c.10244C>T (p.Ala3415Val)

Gene: PLEC (plectin; minus strand). Cytogenetic location: 8q24.3.
Variant type: single nucleotide variant.
Coding change: c.10244C>T on transcript NM_201384.3 (MANE Select); coding-DNA position 10244, C replaced by T.
Protein change: p.Ala3415Val; replaces alanine 3415 with valine.
Molecular consequence: missense variant.
Genome position (GRCh38, 1-based): chr8:143,919,577, G>A on the plus strand (C>T on the coding strand, the complement: PLEC is on the minus strand). VCF-style: chr8-143919577-G-A. GRCh37 (hg19) VCF-style: chr8-144993745-G-A.
Other names: c.10325C>T, p.Ala3442Val (NM_000445.5); c.10202C>T, p.Ala3401Val (NM_201378.4); c.10178C>T, p.Ala3393Val (NM_201379.3); c.10655C>T, p.Ala3552Val (NM_201380.4); c.10148C>T, p.Ala3383Val (NM_201381.3); c.10244C>T, p.Ala3415Val (NM_201382.4); c.10256C>T, p.Ala3419Val (NM_201383.3); c.10325C>T (NM_000445.3); short protein forms A3383V, A3393V, A3401V, A3415V, A3419V, A3442V, A3552V.
Identifiers: ClinVar variation 499317 (VCV000499317.12), dbSNP rs201343829, ClinGen allele CA4924714.

ClinVar aggregate classification (germline): Uncertain significance. Review status: criteria provided, multiple submitters, no conflicts (2 of 4 stars). 4 submissions from 4 submitters: Uncertain significance (4). Last evaluated 2024-09-03.

Conditions:
Inborn genetic diseases. Identifiers: MedGen C0950123, MeSH D030342.
Epidermolysis bullosa simplex 5B, with muscular dystrophy (EBS5B). Also called: EPIDERMOLYSIS BULLOSA SIMPLEX AND LIMB-GIRDLE MUSCULAR DYSTROPHY; Epidermolysis bullosa simplex with muscular dystrophy. Identifiers: Orphanet 257, MedGen C2931072, MONDO:0009181, OMIM 226670.
Epidermolysis bullosa simplex, Ogna type (EBS5A). Also called: Pidermolysis bullosa simplex 5A, Ogna type; EPIDERMOLYSIS BULLOSA SIMPLEX 5A, OGNA TYPE. Identifiers: Orphanet 79401, MedGen C0432317, MONDO:0007555, OMIM 131950.
Autosomal recessive limb-girdle muscular dystrophy type 2Q (LGMDR17). Also called: MUSCULAR DYSTROPHY, LIMB-GIRDLE, AUTOSOMAL RECESSIVE 17. Identifiers: Orphanet 254361, MedGen C3150989, MONDO:0013390, OMIM 613723.
Epidermolysis bullosa simplex 5C, with pyloric atresia (EBS5C). Also called: Epidermolysis bullosa simplex with pyloric atresia; PLEC1-Related Epidermolysis Bullosa with Pyloric Atresia; PLEC-Related Epidermolysis Bullosa with Pyloric Atresia. Identifiers: Orphanet 158684, MedGen C2677349, MONDO:0012807, OMIM 612138.
Epidermolysis bullosa simplex with nail dystrophy (EBS5D). Identifiers: MedGen C4225309, MONDO:0014661, OMIM 616487.

Allele frequency attached by ClinVar (database versions not stated): gnomAD 0.00001; gnomAD exomes 0.00001; TOPMed 0.00001; ExAC 0.00002; 1000 Genomes Project 30x 0.00016; 1000 Genomes Project 0.00020.
gnomAD v4.1: 17 of 1,601,934 alleles (0.0011%); highest among the groups gnomAD compares: South Asian, 0.0033%; no homozygotes.

Submissions (4):

Labcorp Genetics (formerly Invitae), Labcorp
Classification: Uncertain significance for Autosomal recessive limb-girdle muscular dystrophy type 2Q; Epidermolysis bullosa simplex, Ogna type; Epidermolysis bullosa simplex with nail dystrophy; Epidermolysis bullosa simplex 5C, with pyloric atresia; Epidermolysis bullosa simplex 5B, with muscular dystrophy. Last evaluated: 2024-09-03. Review status: criteria provided, single submitter. Criteria: Invitae Variant Classification Sherloc (09022015). Collection method: clinical testing. Allele origin: germline.
Comment: This sequence change replaces alanine, which is neutral and non-polar, with valine, which is neutral and non-polar, at codon 3442 of the PLEC protein (p.Ala3442Val). This variant is present in population databases (rs201343829, gnomAD 0.003%). This variant has not been reported in the literature in individuals affected with PLEC-related conditions. ClinVar contains an entry for this variant (Variation ID: 499317). Invitae Evidence Modeling of protein sequence and biophysical properties (such as structural, functional, and spatial information, amino acid conservation, physicochemical variation, residue mobility, and thermodynamic stability) has been performed for this missense variant. However, the output from this modeling did not meet the statistical confidence thresholds required to predict the impact of this variant on PLEC protein function. In summary, the available evidence is currently insufficient to determine the role of this variant in disease. Therefore, it has been classified as a Variant of Uncertain Significance.

Ambry Genetics
Classification: Uncertain significance for Inborn genetic diseases. Last evaluated: 2023-12-18. Review status: criteria provided, single submitter. Criteria: Ambry Variant Classification Scheme 2023. Collection method: clinical testing. Allele origin: germline.

Revvity Omics, Revvity
Classification: Uncertain significance. Last evaluated: 2019-08-20. Review status: criteria provided, single submitter. Criteria: ACMG Guidelines, 2015. Collection method: clinical testing. Allele origin: germline.

Eurofins Ntd Llc (ga)
Classification: Uncertain significance. Last evaluated: 2017-01-03. Review status: criteria provided, single submitter. Criteria: EGL Classification Definitions 2015. Collection method: clinical testing. Allele origin: germline. Observed: 1 variant allele, 1 heterozygote.